The following is an entry in ClinVar:

NM_000179.3(MSH6):c.2187C>T (p.Ala729=)

Gene: MSH6 (mutS homolog 6; plus strand). Cytogenetic location: 2p16.3.
Variant type: single nucleotide variant.
Coding change: c.2187C>T on transcript NM_000179.3 (MANE Select); coding-DNA position 2187, C replaced by T.
Protein change: p.Ala729=; no amino-acid change (alanine 729 retained).
Molecular consequence: synonymous variant.
Genome position (GRCh38, 1-based): chr2:47,800,170, C>T. VCF-style: chr2-47800170-C-T. GRCh37 (hg19) VCF-style: chr2-48027309-C-T.
Other names: c.1797C>T, p.Ala599= (NM_001281492.2); c.1281C>T, p.Ala427= (NM_001281493.2, NM_001281494.2).
Identifiers: ClinVar variation 371852 (VCV000371852.64), dbSNP rs375610656, ClinGen allele CA068585.
Genomic context (GRCh38, chr2:47,800,170, plus strand): 5'-TATTCCCTTGGATTCTGACACAGTCAGCACTACAAGATCTGGTGCTATCTTCACCAAAGC[C>T]TATCAACGAATGGTGCTAGATGCAGTGACATTAAACAACTTGGAGATTTTTCTGAATGGA-3'
Protein context (NP_000170.1, residues 719-739): TTRSGAIFTK[Ala729=]YQRMVLDAVT

ClinVar aggregate classification (germline): Benign/Likely benign. Review status: criteria provided, multiple submitters, no conflicts (2 of 4 stars). 10 submissions from 10 submitters: Benign (1); Likely benign (7). 2 of the submissions do not count toward it. Last evaluated 2026-01-06.

Conditions:
Hereditary cancer-predisposing syndrome. Also called: Tumor predisposition; Hereditary Cancer Syndrome; Hereditary neoplastic syndrome; Neoplastic Syndromes, Hereditary. Identifiers: Orphanet 140162, MedGen C0027672, MeSH D009386, MONDO:0015356.
Lynch syndrome 5 (LYNCH5). Also called: Hereditary non-polyposis colorectal cancer, type 5; Colorectal cancer, hereditary nonpolyposis, type 5. Identifiers: Orphanet 144, MedGen C1833477, MONDO:0013710, OMIM 614350. Disease mechanism: loss of function.
Hereditary nonpolyposis colorectal neoplasms. Identifiers: MedGen C0009405, MeSH D003123.
Breast and/or ovarian cancer. Identifiers: MedGen CN221562.

Allele frequency attached by ClinVar (database versions not stated): TOPMed 0.00001.
gnomAD v4.1: 3 of 1,614,030 alleles (0.00019%); highest among the groups gnomAD compares: Non-Finnish European, 0.00025%; no homozygotes.

Submissions (10):

Labcorp Genetics (formerly Invitae), Labcorp
Classification: Likely benign for Hereditary nonpolyposis colorectal neoplasms. Last evaluated: 2026-01-06. Review status: criteria provided, single submitter. Criteria: Invitae Variant Classification Sherloc (09022015). Collection method: clinical testing. Allele origin: germline.

Myriad Genetics, Inc.
Classification: Benign for Lynch syndrome 5. Last evaluated: 2023-03-27. Review status: criteria provided, single submitter. Criteria: Myriad Autosomal Dominant, Autosomal Recessive and X-Linked Classification Criteria (2023). Collection method: clinical testing. Allele origin: unknown.
Comment: This variant is considered benign. This variant is a silent/synonymous amino acid change and it is not expected to impact splicing.

Quest Diagnostics Nichols Institute San Juan Capistrano
Classification: Likely benign. Last evaluated: 2020-12-02. Review status: criteria provided, single submitter. Criteria: Quest Diagnostics criteria. Collection method: clinical testing. Allele origin: unknown.

Color Diagnostics, LLC DBA Color Health
Classification: Likely benign for Hereditary cancer-predisposing syndrome. Last evaluated: 2020-02-13. Review status: criteria provided, single submitter. Criteria: ACMG Guidelines, 2015. Collection method: clinical testing. Allele origin: germline.

CHEO Genetics Diagnostic Laboratory, Children's Hospital of Eastern Ontario
Classification: Likely benign for Breast and/or ovarian cancer. Last evaluated: 2020-01-28. Review status: criteria provided, single submitter. Criteria: ACMG Guidelines, 2015. Collection method: clinical testing. Allele origin: germline.

GeneDx
Classification: Likely benign. Last evaluated: 2018-08-28. Review status: criteria provided, single submitter. Criteria: GeneDx Variant Classification Process June 2021. Collection method: clinical testing. Allele origin: germline. Affected: yes.

CeGaT Center for Human Genetics Tuebingen
Classification: Likely benign. Last evaluated: 2016-10-01. Review status: criteria provided, single submitter. Criteria: CeGaT Center For Human Genetics Tuebingen Variant Classification Criteria Version 2. Collection method: clinical testing. Allele origin: germline. Affected: yes. Observed: 1 variant allele.

Ambry Genetics
Classification: Likely benign for Hereditary cancer-predisposing syndrome. Last evaluated: 2015-10-22. Review status: criteria provided, single submitter. Criteria: Ambry Variant Classification Scheme 2023. Collection method: clinical testing. Allele origin: germline.

Counsyl
Classification: Likely benign for Lynch syndrome 5. Last evaluated: 2016-05-10. Review status: no assertion criteria provided. Collection method: clinical testing. Allele origin: unknown. Not counted in ClinVar's aggregate classification.

Department of Pathology and Laboratory Medicine, Sinai Health System
Classification: Likely benign. Review status: no assertion criteria provided. Collection method: clinical testing. Allele origin: unknown. Affected: yes. Study: The Canadian Open Genetics Repository (COGR). Not counted in ClinVar's aggregate classification.
Comment: The MSH6 p.Ala729= variant was not identified in the literature nor was it identified in the COGR, Cosmic, UMD-LSDB, Zhejiang University Database, Mismatch Repair Genes Variant Database, or Insight Hereditary Tumors databases. The variant was identified in dbSNP (ID: rs375610656) as "With Likely benign, other allele" and ClinVar (classified as likely benign by Invitae, GeneDx, Counsyl, and one other submitter). The variant was identified in control databases in 1 of 250916 chromosomes at a frequency of 0.000004 (Genome Aggregation Database Feb 27, 2017). The variant was observed in the European population in 1 of 113246 chromosomes (freq: 0.000008), but not in the African, Other, Latino, Ashkenazi Jewish, East Asian, South Asian, or Finnish populations. The p.Ala729= variant is not expected to have clinical significance because it does not result in a change of amino acid and is not located in a known consensus splice site. In addition, in silico or computational prediction software programs (SpliceSiteFinder, MaxEntScan, NNSPLICE, GeneSplicer, HumanSpliceFinder) do not predict a difference in splicing. In summary, based on the above information the clinical significance of this variant cannot be determined with certainty at this time although we would lean towards a more benign role for this variant. This variant is classified as likely benign.

Literature cited by the submitters: PubMed 30283497 (cited by Quest Diagnostics Nichols Institute San Juan Capistrano).